The following is an entry in ClinVar:

ClinVar aggregate classification (germline): Uncertain significance. Review status: criteria provided, multiple submitters, no conflicts (2 of 4 stars). 2 submissions from 2 submitters: Uncertain significance (2). Last evaluated 2022-03-23.

Conditions:
Hereditary cancer-predisposing syndrome. Also called: Hereditary Cancer Syndrome; Hereditary neoplastic syndrome; Neoplastic Syndromes, Hereditary; Tumor predisposition. Identifiers: Orphanet 140162, MedGen C0027672, MeSH D009386, MONDO:0015356.

Allele frequency attached by ClinVar (database versions not stated): TOPMed below 0.00001.

Submissions (2):

Ambry Genetics
Classification: Uncertain significance for Hereditary cancer-predisposing syndrome. Last evaluated: 2022-03-23. Review status: criteria provided, single submitter. Criteria: Ambry Variant Classification Scheme 2023. Collection method: clinical testing. Allele origin: germline.
Comment: The p.L333V variant (also known as c.997C>G), located in coding exon 6 of the MSH3 gene, results from a C to G substitution at nucleotide position 997. The leucine at codon 333 is replaced by valine, an amino acid with highly similar properties. This amino acid position is conserved. In addition, this alteration is predicted to be tolerated by in silico analysis. Since supporting evidence is limited at this time, the clinical significance of this alteration remains unclear.

Sema4
Classification: Uncertain significance for Hereditary cancer-predisposing syndrome. Last evaluated: 2021-06-29. Review status: criteria provided, single submitter. Criteria: Sema4 Curation Guidelines. Collection method: curation. Allele origin: germline.
Comment: The MSH3 c.997C>G (p.L333V) variant has not been reported in the literature to our knowledge. It was not observed in the large and broad cohorts of the Genome Aggregation Database (PMID: 32461654), nor has it been reported in ClinVar. In silico tools suggest the impact of the variant on protein function is inconclusive, though these predictions have not been confirmed by functional studies. The evidence is insufficient to meet ACMG/AMP criteria for classifying the variant as benign or pathogenic. Thus, the clinical significance of this variant is currently uncertain.

NM_002439.5(MSH3):c.997C>G (p.Leu333Val)

Genes: MSH3 (mutS homolog 3; plus strand), LOC126807437 (MED14-independent group 3 enhancer GRCh37_chr5:79968379-79969578; plus strand). Cytogenetic location: 5q14.1.
Variant type: single nucleotide variant.
Coding change: c.997C>G on transcript NM_002439.5 (MANE Select); coding-DNA position 997, C replaced by G.
Protein change: p.Leu333Val; replaces leucine 333 with valine.
Molecular consequence: missense variant.
Genome position (GRCh38, 1-based): chr5:80,672,828, C>G. VCF-style: chr5-80672828-C-G. GRCh37 (hg19) VCF-style: chr5-79968647-C-G.
Other names: short protein forms L333V.
Identifiers: ClinVar variation 1692678 (VCV001692678.3), dbSNP rs764577777, ClinGen allele CA360267500.